The following is an entry in ClinVar:

ClinVar aggregate classification (germline): Uncertain significance (1 of 4 stars; one submission).

Conditions:
Left ventricular noncompaction 1 (LVNC1). Also called: LEFT VENTRICULAR NONCOMPACTION 1 WITH OR WITHOUT CONGENITAL HEART DEFECTS. Identifiers: Orphanet 54260, MedGen C1858725, MONDO:0011403, OMIM 604169.

Allele frequency attached by ClinVar (database versions not stated): gnomAD 0.00001; gnomAD exomes 0.00001 and 0.00002; TOPMed 0.00001.
gnomAD v4.1: 9 of 1,535,924 alleles (0.00059%); highest among the groups gnomAD compares: Middle Eastern, 0.05%; no homozygotes.

Submission:

Victorian Clinical Genetics Services, Murdoch Childrens Research Institute
Classification: Uncertain significance for Left ventricular noncompaction 1. Last evaluated: 2020-05-25. Review status: criteria provided, single submitter. Criteria: ACMG Guidelines, 2015. Collection method: clinical testing. Allele origin: germline. Inheritance: Autosomal dominant inheritance. Affected: yes.
Comment: Based on the classification scheme VCGS_Germline_v1.1.1, this variant is classified as a 3B-VUS. Following criteria are met: 0107 - This gene is known to be associated with autosomal dominant disease. (N) 0200 - Variant is predicted to result in a missense amino acid change from a glutamic acid to a lysine (exon 20) (NB: This variant is non-coding in alternative transcripts). (N) 0251 - Variant is heterozygous. (N) 0302 - Variant is present in gnomAD <0.001 for a dominant condition (1 heterozygote, 0 homozygotes). (P) 0502 - Missense variant with uninformative in silico predictions with a minor amino acid change and moderate conservation. (N) 0604 - Variant is not located in an established domain, motif, hotspot or informative constraint region. (N) 0705 - No comparable variants have previous evidence for pathogenicity. (N) 0807 - Variant has not previously been reported in a clinical context. (N) 0905 - No segregation evidence has been identified for this variant. (N) 1007 - No published functional evidence has been identified for this variant. (N) 1208 - Inheritance information for this variant is not currently available. (N) Legend: (P) - Pathogenic, (N) - Neutral, (B) - Benign

NM_001386795.1(DTNA):c.*2581G>A

Gene: DTNA (dystrobrevin alpha; plus strand). Cytogenetic location: 18q12.1.
Variant type: single nucleotide variant.
Coding change: c.*2581G>A on transcript NM_001386795.1 (MANE Select); 2581 bases downstream of the stop codon, G replaced by A.
Molecular consequence: 3 prime UTR variant. On other transcripts: missense variant (2).
Genome position (GRCh38, 1-based): chr18:34,890,315, G>A. VCF-style: chr18-34890315-G-A. GRCh37 (hg19) VCF-style: chr18-32470279-G-A.
Other names: c.2050G>A, p.Glu684Lys (NM_001198938.2, NM_001386753.1); c.*2581G>A (NM_001198939.2, NM_001198940.2, NM_001198942.1 and 12 more transcripts); c.*47G>A (NM_001386755.1, NM_001386756.1, NM_001386759.1 and 7 more transcripts); short protein forms E684K.
Identifiers: ClinVar variation 1699447 (VCV001699447.3), dbSNP rs1316954336, ClinGen allele CA402169828.